The following is an entry in ClinVar:

ClinVar aggregate classification (germline): Uncertain significance (1 of 4 stars; one submission).

gnomAD v4.1: 9 of 1,603,100 alleles (0.00056%); highest among the groups gnomAD compares: South Asian, 0.0011%; no homozygotes.

Submission:

Labcorp Genetics (formerly Invitae), Labcorp
Classification: Uncertain significance. Last evaluated: 2022-05-05. Review status: criteria provided, single submitter. Criteria: Invitae Variant Classification Sherloc (09022015). Collection method: clinical testing. Allele origin: germline.
Comment: In summary, the available evidence is currently insufficient to determine the role of this variant in disease. Therefore, it has been classified as a Variant of Uncertain Significance. Algorithms developed to predict the effect of missense changes on protein structure and function (SIFT, PolyPhen-2, Align-GVGD) all suggest that this variant is likely to be tolerated. This variant has not been reported in the literature in individuals affected with ACE-related conditions. The frequency data for this variant in the population databases is considered unreliable, as metrics indicate poor data quality at this position in the gnomAD database. This sequence change replaces arginine, which is basic and polar, with leucine, which is neutral and non-polar, at codon 1232 of the ACE protein (p.Arg1232Leu).

NM_000789.4(ACE):c.3695G>T (p.Arg1232Leu)

Gene: ACE (angiotensin I converting enzyme; plus strand). Cytogenetic location: 17q23.3.
Variant type: single nucleotide variant.
Coding change: c.3695G>T on transcript NM_000789.4 (MANE Select); coding-DNA position 3695, G replaced by T.
Protein change: p.Arg1232Leu; replaces arginine 1232 with leucine.
Molecular consequence: missense variant. On other transcripts: non-coding transcript variant (1).
Genome position (GRCh38, 1-based): chr17:63,497,140, G>T. VCF-style: chr17-63497140-G-T. GRCh37 (hg19) VCF-style: chr17-61574501-G-T.
Other names: c.1850G>T, p.Arg617Leu (NM_001178057.2); c.3128G>T, p.Arg1043Leu (NM_001382700.1); c.2843G>T, p.Arg948Leu (NM_001382701.1); c.1310G>T, p.Arg437Leu (NM_001382702.1); c.1973G>T, p.Arg658Leu (NM_152830.3); short protein forms R437L, R658L, R948L, R1232L, R1043L, R617L.
Identifiers: ClinVar variation 2186797 (VCV002186797.4), dbSNP rs372282664, ClinGen allele CA292890400.